The following is an entry in ClinVar:

NM_015214.3(DDHD2):c.688C>T (p.Arg230Cys)

Gene: DDHD2 (DDHD domain containing 2; plus strand). Cytogenetic location: 8p11.23.
Variant type: single nucleotide variant.
Coding change: c.688C>T on transcript NM_015214.3 (MANE Select); coding-DNA position 688, C replaced by T.
Protein change: p.Arg230Cys; replaces arginine 230 with cysteine.
Molecular consequence: missense variant. On other transcripts: non-coding transcript variant (2), intron variant (1).
Genome position (GRCh38, 1-based): chr8:38,240,340, C>T. VCF-style: chr8-38240340-C-T. GRCh37 (hg19) VCF-style: chr8-38097858-C-T.
Other names: c.688C>T (NM_015214.2); c.688C>T, p.Arg230Cys (NM_001164232.2, NM_001362911.2, NM_001362912.2 and 1 more transcripts); c.623-1910C>T (NM_001362913.2); short protein forms R230C.
Identifiers: ClinVar variation 1378909 (VCV001378909.7), dbSNP rs764149817, ClinGen allele CA4716059.

ClinVar aggregate classification (germline): Uncertain significance. Review status: criteria provided, multiple submitters, no conflicts (2 of 4 stars). 2 submissions from 2 submitters: Uncertain significance (2). Last evaluated 2025-02-05.

Conditions:
Hereditary spastic paraplegia 54. Also called: Spastic paraplegia 54, autosomal recessive. Identifiers: Orphanet 320380, MedGen C3539495, MONDO:0014018, OMIM 615033.
Inborn genetic diseases. Identifiers: MedGen C0950123, MeSH D030342.

Allele frequency attached by ClinVar (database versions not stated): ExAC 0.00002; gnomAD exomes 0.00002.

Submissions (2):

Ambry Genetics
Classification: Uncertain significance for Inborn genetic diseases. Last evaluated: 2025-02-05. Review status: criteria provided, single submitter. Criteria: Ambry Variant Classification Scheme 2023. Collection method: clinical testing. Allele origin: germline.

Labcorp Genetics (formerly Invitae), Labcorp
Classification: Uncertain significance for Hereditary spastic paraplegia 54. Last evaluated: 2024-10-15. Review status: criteria provided, single submitter. Criteria: Invitae Variant Classification Sherloc (09022015). Collection method: clinical testing. Allele origin: germline.
Comment: This sequence change replaces arginine, which is basic and polar, with cysteine, which is neutral and slightly polar, at codon 230 of the DDHD2 protein (p.Arg230Cys). This variant is present in population databases (rs764149817, gnomAD 0.01%). This variant has not been reported in the literature in individuals affected with DDHD2-related conditions. ClinVar contains an entry for this variant (Variation ID: 1378909). Invitae Evidence Modeling of protein sequence and biophysical properties (such as structural, functional, and spatial information, amino acid conservation, physicochemical variation, residue mobility, and thermodynamic stability) has been performed for this missense variant. However, the output from this modeling did not meet the statistical confidence thresholds required to predict the impact of this variant on DDHD2 protein function. In summary, the available evidence is currently insufficient to determine the role of this variant in disease. Therefore, it has been classified as a Variant of Uncertain Significance.